The following is an entry in ClinVar:

NM_003906.5(MCM3AP):c.1061G>A (p.Arg354His)

Gene: MCM3AP (minichromosome maintenance complex component 3 associated protein; minus strand). Cytogenetic location: 21q22.3.
Variant type: single nucleotide variant.
Coding change: c.1061G>A on transcript NM_003906.5 (MANE Select); coding-DNA position 1061, G replaced by A.
Protein change: p.Arg354His; replaces arginine 354 with histidine.
Molecular consequence: missense variant.
Genome position (GRCh38, 1-based): chr21:46,284,226, C>T on the plus strand (G>A on the coding strand, the complement: MCM3AP is on the minus strand). VCF-style: chr21-46284226-C-T. GRCh37 (hg19) VCF-style: chr21-47704140-C-T.
Other names: p.Arg354His; short protein forms R354H.
Identifiers: ClinVar variation 3293672 (VCV003293672.2).

ClinVar aggregate classification (germline): Uncertain significance. Review status: criteria provided, multiple submitters, no conflicts (2 of 4 stars). 2 submissions from 2 submitters: Uncertain significance (2). Last evaluated 2025-04-03.

Conditions:
Inborn genetic diseases. Identifiers: MedGen C0950123, MeSH D030342.

gnomAD v4.1: 12 of 1,614,084 alleles (0.00074%); highest among the groups gnomAD compares: African/African-American, 0.0027%; no homozygotes.

Submissions (2):

Mayo Clinic Laboratories, Mayo Clinic
Classification: Uncertain significance. Last evaluated: 2025-04-03. Review status: criteria provided, single submitter. Criteria: ACMG Guidelines, 2015. Collection method: clinical testing. Allele origin: germline. Observed: 1 variant allele.
Comment: BP4_moderate, PM2_supporting

Ambry Genetics
Classification: Uncertain significance for Inborn genetic diseases. Last evaluated: 2024-04-17. Review status: criteria provided, single submitter. Criteria: Ambry Variant Classification Scheme 2023. Collection method: clinical testing. Allele origin: germline.